The following is an entry in ClinVar:

ClinVar aggregate classification (germline): Uncertain significance. Review status: criteria provided, multiple submitters, no conflicts (2 of 4 stars). 2 submissions from 2 submitters: Uncertain significance (2). Last evaluated 2023-01-07.

Conditions:
Multiple congenital anomalies-hypotonia-seizures syndrome 2 (MCAHS2). Also called: GLYCOSYLPHOSPHATIDYLINOSITOL BIOSYNTHESIS DEFECT 4; EPILEPTIC ENCEPHALOPATHY, EARLY INFANTILE, 20. Identifiers: Orphanet 300496, MedGen C3275508, MONDO:0010466, OMIM 300868.

Submissions (2):

GeneDx
Classification: Uncertain significance. Last evaluated: 2023-01-07. Review status: criteria provided, single submitter. Criteria: GeneDx Variant Classification Process June 2021. Collection method: clinical testing. Allele origin: germline. Affected: yes.
Comment: Not observed at significant frequency in large population cohorts (gnomAD); In silico analysis supports that this missense variant does not alter protein structure/function; Has not been previously published as pathogenic or benign to our knowledge

Labcorp Genetics (formerly Invitae), Labcorp
Classification: Uncertain significance for Multiple congenital anomalies-hypotonia-seizures syndrome 2. Last evaluated: 2021-01-19. Review status: criteria provided, single submitter. Criteria: Invitae Variant Classification Sherloc (09022015). Collection method: clinical testing. Allele origin: germline.
Comment: This sequence change replaces leucine with valine at codon 439 of the PIGA protein (p.Leu439Val). The leucine residue is moderately conserved and there is a small physicochemical difference between leucine and valine. This variant is not present in population databases (ExAC no frequency). This variant has not been reported in the literature in individuals with PIGA-related conditions. Algorithms developed to predict the effect of missense changes on protein structure and function are either unavailable or do not agree on the potential impact of this missense change (SIFT: "Tolerated"; PolyPhen-2: "Probably Damaging"; Align-GVGD: "Class C0"). In summary, the available evidence is currently insufficient to determine the role of this variant in disease. Therefore, it has been classified as a Variant of Uncertain Significance.

NM_002641.4(PIGA):c.1315C>G (p.Leu439Val)

Gene: PIGA (phosphatidylinositol glycan anchor biosynthesis class A; minus strand). Cytogenetic location: Xp22.2.
Variant type: single nucleotide variant.
Coding change: c.1315C>G on transcript NM_002641.4 (MANE Select); coding-DNA position 1315, C replaced by G.
Protein change: p.Leu439Val; replaces leucine 439 with valine.
Molecular consequence: missense variant. On other transcripts: non-coding transcript variant (2).
Genome position (GRCh38, 1-based): chrX:15,321,646, G>C on the plus strand (C>G on the coding strand, the complement: PIGA is on the minus strand). VCF-style: chrX-15321646-G-C. GRCh37 (hg19) VCF-style: chrX-15339768-G-C.
Other names: c.613C>G, p.Leu205Val (NM_020473.3); c.1315C>G (NM_002641.3); short protein forms L439V, L205V.
Identifiers: ClinVar variation 1366057 (VCV001366057.8), dbSNP rs2147714748, ClinGen allele CA412334336.